The following is an entry in ClinVar:

NM_016239.4(MYO15A):c.1117G>C (p.Gly373Arg)

Gene: MYO15A (myosin XVA; plus strand). Cytogenetic location: 17p11.2.
Variant type: single nucleotide variant.
Coding change: c.1117G>C on transcript NM_016239.4 (MANE Select); coding-DNA position 1117, G replaced by C.
Protein change: p.Gly373Arg; replaces glycine 373 with arginine.
Molecular consequence: missense variant.
Genome position (GRCh38, 1-based): chr17:18,119,917, G>C. VCF-style: chr17-18119917-G-C. GRCh37 (hg19) VCF-style: chr17-18023231-G-C.
Other names: short protein forms G373R.
Identifiers: ClinVar variation 2183108 (VCV002183108.1), dbSNP rs746140187, ClinGen allele CA8423026.
Genomic context (GRCh38, chr17:18,119,917, plus strand): 5'-TACCCACCCTATGACCTCCCATACCACACTCCCTACGATGTACCCTACTTTGATCCCTAC[G>C]GAGTCCACTACACCGTCCCCTATGCCGAAGGCGTCTATGGCGGTGGGGACGAGGCCATCT-3'
Protein context (NP_057323.3, residues 363-383): PYDVPYFDPY[Gly373Arg]VHYTVPYAEG

ClinVar aggregate classification (germline): Uncertain significance (1 of 4 stars; one submission).

gnomAD v4.1: 18 of 1,613,348 alleles (0.0011%); highest among the groups gnomAD compares: Middle Eastern, 0.016%; no homozygotes.

Submission:

Labcorp Genetics (formerly Invitae), Labcorp
Classification: Uncertain significance. Last evaluated: 2022-04-12. Review status: criteria provided, single submitter. Criteria: Invitae Variant Classification Sherloc (09022015). Collection method: clinical testing. Allele origin: germline.
Comment: This sequence change replaces glycine, which is neutral and non-polar, with arginine, which is basic and polar, at codon 373 of the MYO15A protein (p.Gly373Arg). This variant is present in population databases (rs746140187, gnomAD 0.02%). This variant has not been reported in the literature in individuals affected with MYO15A-related conditions. Advanced modeling of protein sequence and biophysical properties (such as structural, functional, and spatial information, amino acid conservation, physicochemical variation, residue mobility, and thermodynamic stability) performed at Invitae indicates that this missense variant is not expected to disrupt MYO15A protein function. In summary, the available evidence is currently insufficient to determine the role of this variant in disease. Therefore, it has been classified as a Variant of Uncertain Significance.